The following is an entry in ClinVar:

NM_007194.4(CHEK2):c.467A>G (p.Tyr156Cys)

Gene: CHEK2 (checkpoint kinase 2; minus strand). Cytogenetic location: 22q12.1.
Variant type: single nucleotide variant.
Coding change: c.467A>G on transcript NM_007194.4 (MANE Select); coding-DNA position 467, A replaced by G.
Protein change: p.Tyr156Cys; replaces tyrosine 156 with cysteine.
Molecular consequence: missense variant. On other transcripts: 5 prime UTR variant (2), intron variant (1).
Genome position (GRCh38, 1-based): chr22:28,725,102, T>C on the plus strand (A>G on the coding strand, the complement: CHEK2 is on the minus strand). VCF-style: chr22-28725102-T-C. GRCh37 (hg19) VCF-style: chr22-29121090-T-C.
Other names: c.596A>G, p.Tyr199Cys (NM_001005735.3, NM_001438294.1); c.-311A>G (NM_001257387.3); c.-197A>G (NM_001437942.1); c.560A>G, p.Tyr187Cys (NM_001438293.1, NM_001438295.1); c.467A>G, p.Tyr156Cys (NM_145862.3); c.444+141A>G (NM_001349956.3); short protein forms Y156C, Y199C, Y187C.
Identifiers: ClinVar variation 3894299 (VCV003894299.1).

ClinVar aggregate classification (germline): Uncertain significance (1 of 4 stars; one submission).

Conditions:
Hereditary cancer-predisposing syndrome. Also called: Neoplastic Syndromes, Hereditary; Tumor predisposition; Hereditary Cancer Syndrome; Hereditary neoplastic syndrome. Identifiers: Orphanet 140162, MedGen C0027672, MeSH D009386, MONDO:0015356.

gnomAD v4.1: 1 of 1,614,138 alleles (0.000062%); highest among the groups gnomAD compares: Non-Finnish European, 0.000085%; no homozygotes.

Submission:

Color Diagnostics, LLC DBA Color Health
Classification: Uncertain significance for Hereditary cancer-predisposing syndrome. Last evaluated: 2025-04-07. Review status: criteria provided, single submitter. Criteria: ACMG Guidelines, 2015. Collection method: clinical testing. Allele origin: germline.
Comment: This missense variant replaces tyrosine with cysteine at codon 156 of the CHEK2 protein. Computational prediction is inconclusive regarding the impact of this variant on protein structure and function. To our knowledge, functional studies have not been reported for this variant. This variant has not been reported in individuals affected with CHEK2-related disorders in the literature. This variant has not been identified in the general population by the Genome Aggregation Database (gnomAD). The available evidence is insufficient to determine the role of this variant in disease conclusively. Therefore, this variant is classified as a Variant of Uncertain Significance.